The following is an entry in ClinVar:

NM_001303.4(COX10):c.*646C>G

Gene: COX10 (cytochrome c oxidase assembly factor heme A:farnesyltransferase COX10; plus strand). Cytogenetic location: 17p12.
Variant type: single nucleotide variant.
Coding change: c.*646C>G on transcript NM_001303.4 (MANE Select); 646 bases downstream of the stop codon, C replaced by G.
Molecular consequence: 3 prime UTR variant.
Genome position (GRCh38, 1-based): chr17:14,207,859, C>G. VCF-style: chr17-14207859-C-G. GRCh37 (hg19) VCF-style: chr17-14111176-C-G.
Identifiers: ClinVar variation 321832 (VCV000321832.6), dbSNP rs7214082, ClinGen allele CA10644889.

ClinVar aggregate classification (germline): Conflicting classifications of pathogenicity. Review status: criteria provided, conflicting classifications (1 of 4 stars). 3 submissions from 2 submitters: Uncertain significance (1); Likely benign (2). Last evaluated 2021-05-11.

Conditions:
Mitochondrial complex IV deficiency, nuclear type 1 (MC4DN1). Also called: COX DEFICIENCY; Mitochondrial complex IV deficiency; Complex 4 mitochondrial respiratory chain deficiency; Deficiency of mitochondrial respiratory chain complex4; Complex IV deficiency. Identifiers: MedGen C5435656, MONDO:0700250, OMIM 220110. Disease mechanism: loss of function.
Leigh syndrome (NULS). Also called: Leigh Disease; Subacute necrotizing encephalopathy; Necrotizing encephalopathy infantile subacute of Leigh; Leigh's necrotizing encephalopathy; Leigh's disease; Leigh's syndrome. Identifiers: Orphanet 506, MedGen C2931891, MONDO:0009723, OMIM 256000.

Allele frequency attached by ClinVar (database versions not stated): 1000 Genomes Project 0.00859; 1000 Genomes Project 30x 0.00890.
gnomAD v4.1: 1,667 of 152,698 alleles (1.1%); highest among the groups gnomAD compares: Middle Eastern, 4%; 11 homozygotes.

Submissions (3):

GeneDx
Classification: Likely benign. Last evaluated: 2021-05-11. Review status: criteria provided, single submitter. Criteria: GeneDx Variant Classification Process June 2021. Collection method: clinical testing. Allele origin: germline. Affected: yes.

Illumina Laboratory Services, Illumina
Classification: Likely benign for Leigh syndrome. Last evaluated: 2018-01-12. Review status: criteria provided, single submitter. Criteria: ICSL Variant Classification Criteria 13 December 2019. Collection method: clinical testing. Allele origin: germline.
Comment: This variant was observed in the ICSL laboratory as part of a predisposition screen in an ostensibly healthy population. It had not been previously curated by ICSL or reported in the Human Gene Mutation Database (HGMD: prior to June 1st, 2018), and was therefore a candidate for classification through an automated scoring system. Utilizing variant allele frequency, disease prevalence and penetrance estimates, and inheritance mode, an automated score was calculated to assess if this variant is too frequent to cause the disease. Based on the score and internal cut-off values, a variant classified as likely benign is not then subjected to further curation. The score for this variant resulted in a classification of likely benign for this disease.

Illumina Laboratory Services, Illumina
Classification: Uncertain significance for Mitochondrial complex IV deficiency, nuclear type 1. Last evaluated: 2018-01-12. Review status: criteria provided, single submitter. Criteria: ICSL Variant Classification Criteria 13 December 2019. Collection method: clinical testing. Allele origin: germline.